The following is an entry in ClinVar:

ClinVar aggregate classification (germline): Uncertain significance. Review status: criteria provided, single submitter (1 of 4 stars). 2 submissions from 2 submitters: Uncertain significance (1). 1 of the submissions does not count toward it. Last evaluated 2024-11-28.

Conditions:
Inborn genetic diseases. Identifiers: MedGen C0950123, MeSH D030342.
Prostate cancer. Also called: Malignant tumor of prostate. Identifiers: Orphanet 1331, MedGen C0376358, MONDO:0008315, HP:0012125.

Allele frequency attached by ClinVar (database versions not stated): TOPMed below 0.00001; gnomAD exomes 0.00001.
gnomAD v4.1: 10 of 1,612,818 alleles (0.00062%); highest among the groups gnomAD compares: South Asian, 0.0077%; no homozygotes.

Submissions (2):

Ambry Genetics
Classification: Uncertain significance for Inborn genetic diseases. Last evaluated: 2024-11-28. Review status: criteria provided, single submitter. Criteria: Ambry Variant Classification Scheme 2023. Collection method: clinical testing. Allele origin: germline.

Science for Life laboratory,  Karolinska Institutet
Classification: Uncertain significance for Malignant tumor of prostate. Review status: no assertion criteria provided. Collection method: not provided. Allele origin: somatic. Not counted in ClinVar's aggregate classification.
Comment: TumorID:SWE-1
ClinVar note: Converted during submission from Unknown to Uncertain significance.

NM_003052.5(SLC34A1):c.13G>A (p.Gly5Arg)

Gene: SLC34A1 (solute carrier family 34 member 1; plus strand). Cytogenetic location: 5q35.3.
Variant type: single nucleotide variant.
Coding change: c.13G>A on transcript NM_003052.5 (MANE Select); coding-DNA position 13, G replaced by A.
Protein change: p.Gly5Arg; replaces glycine 5 with arginine.
Molecular consequence: missense variant.
Genome position (GRCh38, 1-based): chr5:177,385,754, G>A. VCF-style: chr5-177385754-G-A. GRCh37 (hg19) VCF-style: chr5-176812755-G-A.
Other names: c.13G>A, p.Gly5Arg (NM_001167579.2); short protein forms G5R.
Identifiers: ClinVar variation 161606 (VCV000161606.3), dbSNP rs193920767, ClinGen allele CA025510.